The following is an entry in ClinVar:

ClinVar aggregate classification (germline): Uncertain significance (1 of 4 stars; one submission).

Conditions:
Methylmalonate semialdehyde dehydrogenase deficiency (MMSDHD). Also called: MMSDH DEFICIENCY. Identifiers: Orphanet 289307, MedGen C3279840, MONDO:0013579, OMIM 614105.

Allele frequency attached by ClinVar (database versions not stated): ExAC 0.00004; gnomAD 0.00004 and 0.00005; TOPMed 0.00004; gnomAD exomes 0.00005 and 0.00006; ESP Exome Variant Server 0.00008; 1000 Genomes Project 30x 0.00016; 1000 Genomes Project 0.00020.
gnomAD v4.1: 94 of 1,614,208 alleles (0.0058%); highest among the groups gnomAD compares: Non-Finnish European, 0.0074%; no homozygotes.

Submission:

Labcorp Genetics (formerly Invitae), Labcorp
Classification: Uncertain significance. Last evaluated: 2022-08-16. Review status: criteria provided, single submitter. Criteria: Invitae Variant Classification Sherloc (09022015). Collection method: clinical testing. Allele origin: germline.
Comment: This variant has not been reported in the literature in individuals affected with ALDH6A1-related conditions. This sequence change replaces glycine, which is neutral and non-polar, with arginine, which is basic and polar, at codon 307 of the ALDH6A1 protein (p.Gly307Arg). This variant is present in population databases (rs373688564, gnomAD 0.01%). ClinVar contains an entry for this variant (Variation ID: 1395079). Algorithms developed to predict the effect of missense changes on protein structure and function (SIFT, PolyPhen-2, Align-GVGD) all suggest that this variant is likely to be disruptive. Algorithms developed to predict the effect of sequence changes on RNA splicing suggest that this variant may create or strengthen a splice site. In summary, the available evidence is currently insufficient to determine the role of this variant in disease. Therefore, it has been classified as a Variant of Uncertain Significance.

NM_005589.4(ALDH6A1):c.919G>A (p.Gly307Arg)

Genes: ALDH6A1 (aldehyde dehydrogenase 6 family member A1; minus strand), BBOF1 (basal body orientation factor 1; plus strand). Cytogenetic location: 14q24.3.
Variant type: single nucleotide variant.
Coding change: c.919G>A on transcript NM_005589.4 (MANE Select); coding-DNA position 919, G replaced by A.
Protein change: p.Gly307Arg; replaces glycine 307 with arginine.
Molecular consequence: missense variant.
Genome position (GRCh38, 1-based): chr14:74,067,503, C>T on the plus strand (G>A on the coding strand, the complement: ALDH6A1 is on the minus strand). VCF-style: chr14-74067503-C-T. GRCh37 (hg19) VCF-style: chr14-74534206-C-T.
Other names: c.919G>A (NM_005589.3); c.880G>A, p.Gly294Arg (NM_001278593.2); c.457G>A, p.Gly153Arg (NM_001278594.2); short protein forms G307R, G153R, G294R.
Identifiers: ClinVar variation 1395079 (VCV001395079.9), dbSNP rs373688564, ClinGen allele CA7265731.